The following is an entry in ClinVar:

NM_201525.4(ADGRG1):c.526A>G (p.Met176Val)

Gene: ADGRG1 (adhesion G protein-coupled receptor G1; plus strand). Cytogenetic location: 16q21.
Variant type: single nucleotide variant.
Coding change: c.526A>G on transcript NM_201525.4 (MANE Select); coding-DNA position 526, A replaced by G.
Protein change: p.Met176Val; replaces methionine 176 with valine.
Molecular consequence: missense variant. On other transcripts: initiator codon variant (5), intron variant (1).
Genome position (GRCh38, 1-based): chr16:57,653,241, A>G. VCF-style: chr16-57653241-A-G. GRCh37 (hg19) VCF-style: chr16-57687153-A-G.
Other names: c.526A>G, p.Met176Val (NM_001145770.3, NM_001145771.3, NM_001145772.3 and 16 more transcripts); c.541A>G, p.Met181Val (NM_001145773.3, NM_001370433.1); c.1A>G, p.Met1Val (NM_001290143.2, NM_001290144.2, NM_001370451.1 and 2 more transcripts); c.370A>G, p.Met124Val (NM_001370442.1); c.111-745A>G (NM_001290142.2); short protein forms M124V, M176V, M181V, M1V.
Identifiers: ClinVar variation 1314421 (VCV001314421.3), dbSNP rs762492849, ClinGen allele CA8078414.
Genomic context (GRCh38, chr16:57,653,241, plus strand): 5'-GGCCTGTCCACCCCTCCCCCAGGTCCTCCCCACACGGCCGCTCACAATGCCTCGGTGGAC[A>G]TGTGCGAGCTCAAAAGGGACCTCCAGCTGCTCAGCCAGTTCCTGAAGCATCCCCAGAAGG-3'
Protein context (NP_958933.1, residues 166-186): HTAAHNASVD[Met176Val]CELKRDLQLL

ClinVar aggregate classification (germline): Uncertain significance (1 of 4 stars; one submission).

Allele frequency attached by ClinVar (database versions not stated): gnomAD exomes below 0.00001 and 0.00001; TOPMed below 0.00001; ExAC 0.00001; gnomAD 0.00001.

Submission:

GeneDx
Classification: Uncertain significance. Last evaluated: 2021-04-08. Review status: criteria provided, single submitter. Criteria: GeneDx Variant Classification Process June 2021. Collection method: clinical testing. Allele origin: germline. Affected: yes.
Comment: Not observed at a significant frequency in large population cohorts (Lek et al., 2016); In silico analysis supports that this missense variant has a deleterious effect on protein structure/function; Has not been previously published as pathogenic or benign to our knowledge